The following is an entry in ClinVar:

ClinVar aggregate classification (germline): Pathogenic/Likely pathogenic. Review status: criteria provided, multiple submitters, no conflicts (2 of 4 stars). 2 submissions from 2 submitters: Pathogenic (1); Likely pathogenic (1). Last evaluated 2023-03-21.

Conditions:
Familial hypobetalipoproteinemia 2. Also called: HYPOLIPIDEMIA, FAMILIAL, COMBINED. Identifiers: MedGen C1857970, MONDO:0011505, OMIM 605019.
Inborn genetic diseases. Identifiers: MedGen C0950123, MeSH D030342.

Allele frequency attached by ClinVar (database versions not stated): gnomAD exomes below 0.00001; TOPMed below 0.00001; ExAC 0.00002.

Submissions (2):

Ambry Genetics
Classification: Pathogenic for Inborn genetic diseases. Last evaluated: 2023-03-21. Review status: criteria provided, single submitter. Criteria: Ambry Variant Classification Scheme 2023. Collection method: clinical testing. Allele origin: germline.
Comment: The c.950dupT (p.E318Rfs*11) alteration, located in exon 6 (coding exon 6) of the ANGPTL3 gene, consists of a duplication of T at position 950, causing a translational frameshift with a predicted alternate stop codon after 11 amino acids. This alteration is expected to result in loss of function by premature protein truncation or nonsense-mediated mRNA decay. This variant was not reported in population-based cohorts in the Genome Aggregation Database (gnomAD). Based on the available evidence, this alteration is classified as pathogenic.

Juno Genomics, Hangzhou Juno Genomics, Inc
Classification: Likely pathogenic for Familial hypobetalipoproteinemia 2. Review status: criteria provided, single submitter. Criteria: ACMG Guidelines, 2015. Collection method: clinical testing. Allele origin: germline.
Comment: Absent from controls (or at extremely low frequency if recessive) in Genome Aggregation Database.;Null variant in a gene where loss of function (LOF) is a known mechanism of disease.

NM_014495.4(ANGPTL3):c.950dup (p.Glu318fs)

Genes: ANGPTL3 (angiopoietin like 3; plus strand), DOCK7 (dedicator of cytokinesis 7; minus strand). Cytogenetic location: 1p31.3.
Variant type: Duplication.
Coding change: c.950dup on transcript NM_014495.4 (MANE Select); coding-DNA position 950, one base duplicated (T; older notation c.950dupT).
Protein change: p.Glu318fs; shifts the reading frame from glutamic acid 318.
Molecular consequence: frameshift variant. On other transcripts: intron variant (7).
Genome position (GRCh38, 1-based): chr1:62,603,987, T duplicated. VCF-style (leftmost placement, unchanged base first): chr1-62603986-C-CT. GRCh37 (hg19) VCF-style: chr1-63069657-C-CT.
Other names: c.1682+14719dup (NM_001272001.2, NM_001272000.2, NM_033407.4 and 4 more transcripts); short protein forms E318fs.
Identifiers: ClinVar variation 2525900 (VCV002525900.4), dbSNP rs752195182, ClinGen allele CA886756.